The following is an entry in ClinVar:

NM_006019.4(TCIRG1):c.807G>A (p.Glu269=)

Gene: TCIRG1 (T cell immune regulator 1, ATPase H+ transporting V0 subunit a3; plus strand). Cytogenetic location: 11q13.2.
Variant type: single nucleotide variant.
Coding change: c.807G>A on transcript NM_006019.4 (MANE Select); coding-DNA position 807, G replaced by A.
Protein change: p.Glu269=; no amino-acid change (glutamic acid 269 retained).
Molecular consequence: synonymous variant. On other transcripts: 5 prime UTR variant (1), intron variant (1).
Genome position (GRCh38, 1-based): chr11:68,043,907, G>A. VCF-style: chr11-68043907-G-A. GRCh37 (hg19) VCF-style: chr11-67811374-G-A.
Other names: c.-88G>A (NM_001351059.2); c.807G>A, p.Glu269= (NM_001440552.1, NM_001440553.1, NM_001440554.1 and 4 more transcripts); c.765G>A, p.Glu255= (NM_001440555.1, NM_001440556.1, NM_001440563.1); c.594G>A, p.Glu198= (NM_001440561.1, NM_001440562.1, NM_001440566.1 and 1 more transcripts); c.552G>A, p.Glu184= (NM_001440564.1, NM_001440568.1); c.507G>A, p.Glu169= (NM_001440565.1); c.159G>A, p.Glu53= (NM_006053.4); c.503+876G>A (NM_001440569.1).
Identifiers: ClinVar variation 5003095 (VCV005003095.1).

ClinVar aggregate classification (germline): Uncertain significance (1 of 4 stars; one submission).

Conditions:
Autosomal recessive osteopetrosis 1. Also called: TCIRG1-Related Osteopetrosis; ALBERS-SCHONBERG DISEASE, AUTOSOMAL RECESSIVE; TCIRG1-Related Autosomal Recessive Osteopetrosis. Identifiers: Orphanet 667, MedGen C1850127, MONDO:0009815, OMIM 259700.

Submission:

OLLIN Analises Genomicas, OLLIN
Classification: Uncertain significance for Autosomal recessive osteopetrosis 1. Last evaluated: 2026-08-06. Review status: criteria provided, single submitter. Criteria: ACMG Guidelines 2015 PMID 25741868. Collection method: clinical testing. Allele origin: germline. Inheritance: Autosomal recessive inheritance.
Comment: This synonymous variant, located in exon 8 (of 20), is absent from gnomAD and ClinVar and has not been identified in the literature. Although this variant does not alter the encoded amino acid, there is evidence that it affects splicing, potentially resulting in aberrant transcript processing, exon skipping, mRNA degradation via nonsense-mediated decay (NMD), or production of a truncated protein. There is at least one pathogenic variant reported at this same splicing site. According to the currently available evidence, this variant has been classified as uncertain significance (PS1_M, PM2_P, PM3_P, PP3).